The following is an entry in ClinVar:

ClinVar aggregate classification (germline): Uncertain significance. Review status: criteria provided, multiple submitters, no conflicts (2 of 4 stars). 2 submissions from 2 submitters: Uncertain significance (2). Last evaluated 2025-08-04.

Conditions:
Familial encephalopathy with neuroserpin inclusion bodies. Also called: ENCEPHALOPATHY, FAMILIAL, WITH COLLINS BODIES. Identifiers: Orphanet 85110, MedGen C1858680, MONDO:0011412, OMIM 604218.
Inborn genetic diseases. Identifiers: MedGen C0950123, MeSH D030342.

Allele frequency attached by ClinVar (database versions not stated): gnomAD 0.00001.
gnomAD v4.1: 1 of 1,613,514 alleles (0.000062%); highest among the groups gnomAD compares: African/African-American, 0.0013%; no homozygotes.

Submissions (2):

Ambry Genetics
Classification: Uncertain significance for Inborn genetic diseases. Last evaluated: 2025-08-04. Review status: criteria provided, single submitter. Criteria: Ambry Variant Classification Scheme 2023. Collection method: clinical testing. Allele origin: germline.

Labcorp Genetics (formerly Invitae), Labcorp
Classification: Uncertain significance for Familial encephalopathy with neuroserpin inclusion bodies. Last evaluated: 2022-10-31. Review status: criteria provided, single submitter. Criteria: Invitae Variant Classification Sherloc (09022015). Collection method: clinical testing. Allele origin: germline.
Comment: In summary, the available evidence is currently insufficient to determine the role of this variant in disease. Therefore, it has been classified as a Variant of Uncertain Significance. This sequence change replaces proline, which is neutral and non-polar, with leucine, which is neutral and non-polar, at codon 263 of the SERPINI1 protein (p.Pro263Leu). This variant is present in population databases (no rsID available, gnomAD 0.01%). This variant has not been reported in the literature in individuals affected with SERPINI1-related conditions. Advanced modeling of protein sequence and biophysical properties (such as structural, functional, and spatial information, amino acid conservation, physicochemical variation, residue mobility, and thermodynamic stability) performed at Invitae indicates that this missense variant is not expected to disrupt SERPINI1 protein function.

NM_001122752.2(SERPINI1):c.788C>T (p.Pro263Leu)

Gene: SERPINI1 (serpin family I member 1; plus strand). Cytogenetic location: 3q26.1.
Variant type: single nucleotide variant.
Coding change: c.788C>T on transcript NM_001122752.2 (MANE Select); coding-DNA position 788, C replaced by T.
Protein change: p.Pro263Leu; replaces proline 263 with leucine.
Molecular consequence: missense variant.
Genome position (GRCh38, 1-based): chr3:167,794,731, C>T. VCF-style: chr3-167794731-C-T. GRCh37 (hg19) VCF-style: chr3-167512519-C-T.
Other names: c.788C>T (NM_005025.4); c.788C>T, p.Pro263Leu (NM_005025.5); short protein forms P263L.
Identifiers: ClinVar variation 2799983 (VCV002799983.4), dbSNP rs1161761699, ClinGen allele CA355157142.